The following is an entry in ClinVar:

ClinVar aggregate classification (germline): Uncertain significance (1 of 4 stars; one submission).

Conditions:
Familial hemophagocytic lymphohistiocytosis 2 (FHL2). Also called: PRF1-Related Familial Hemophagocytic Lymphohistiocytosis (PRF1-fHLH). Identifiers: Orphanet 540, MedGen C1863727, MONDO:0011337, OMIM 603553.

gnomAD v4.1: 11 of 1,613,742 alleles (0.00068%); highest among the groups gnomAD compares: South Asian, 0.0033%; no homozygotes.

Submission:

Labcorp Genetics (formerly Invitae), Labcorp
Classification: Uncertain significance for Familial hemophagocytic lymphohistiocytosis 2. Last evaluated: 2025-05-27. Review status: criteria provided, single submitter. Criteria: Invitae Variant Classification Sherloc (09022015). Collection method: clinical testing. Allele origin: germline.
Comment: This sequence change replaces proline, which is neutral and non-polar, with leucine, which is neutral and non-polar, at codon 355 of the PRF1 protein (p.Pro355Leu). This variant is present in population databases (rs779488735, gnomAD 0.006%). This variant has not been reported in the literature in individuals affected with PRF1-related conditions. Invitae Evidence Modeling of protein sequence and biophysical properties (such as structural, functional, and spatial information, amino acid conservation, physicochemical variation, residue mobility, and thermodynamic stability) indicates that this missense variant is expected to disrupt PRF1 protein function with a positive predictive value of 95%. In summary, the available evidence is currently insufficient to determine the role of this variant in disease. Therefore, it has been classified as a Variant of Uncertain Significance.

NM_001083116.3(PRF1):c.1064C>T (p.Pro355Leu)

Gene: PRF1 (perforin 1; minus strand). Cytogenetic location: 10q22.1.
Variant type: single nucleotide variant.
Coding change: c.1064C>T on transcript NM_001083116.3 (MANE Select); coding-DNA position 1064, C replaced by T.
Protein change: p.Pro355Leu; replaces proline 355 with leucine.
Molecular consequence: missense variant.
Genome position (GRCh38, 1-based): chr10:70,598,657, G>A on the plus strand (C>T on the coding strand, the complement: PRF1 is on the minus strand). VCF-style: chr10-70598657-G-A. GRCh37 (hg19) VCF-style: chr10-72358413-G-A.
Other names: c.1064C>T, p.Pro355Leu (NM_005041.6); short protein forms P355L.
Identifiers: ClinVar variation 4690781 (VCV004690781.1).